The following is an entry in ClinVar:

ClinVar aggregate classification (germline): Uncertain significance (1 of 4 stars; one submission).

Submission:

Labcorp Genetics (formerly Invitae), Labcorp
Classification: Uncertain significance. Last evaluated: 2022-07-09. Review status: criteria provided, single submitter. Criteria: Invitae Variant Classification Sherloc (09022015). Collection method: clinical testing. Allele origin: germline.
Comment: Variants that disrupt the consensus splice site are a relatively common cause of aberrant splicing (PMID: 17576681, 9536098). Algorithms developed to predict the effect of sequence changes on RNA splicing suggest that this variant may disrupt the consensus splice site. In summary, the available evidence is currently insufficient to determine the role of this variant in disease. Therefore, it has been classified as a Variant of Uncertain Significance. Algorithms developed to predict the effect of missense changes on protein structure and function (SIFT, PolyPhen-2, Align-GVGD) all suggest that this variant is likely to be tolerated. This variant has not been reported in the literature in individuals affected with CD2AP-related conditions. This variant is not present in population databases (gnomAD no frequency). This sequence change replaces lysine, which is basic and polar, with asparagine, which is neutral and polar, at codon 243 of the CD2AP protein (p.Lys243Asn). This variant also falls at the last nucleotide of exon 6, which is part of the consensus splice site for this exon.

Literature cited by the submitters: PubMed 17576681; PubMed 9536098.

NM_012120.3(CD2AP):c.729G>C (p.Lys243Asn)

Gene: CD2AP (CD2 associated protein; plus strand). Cytogenetic location: 6p12.3.
Variant type: single nucleotide variant.
Coding change: c.729G>C on transcript NM_012120.3 (MANE Select); coding-DNA position 729, G replaced by C.
Protein change: p.Lys243Asn; replaces lysine 243 with asparagine.
Molecular consequence: missense variant.
Genome position (GRCh38, 1-based): chr6:47,574,251, G>C. VCF-style: chr6-47574251-G-C. GRCh37 (hg19) VCF-style: chr6-47541987-G-C.
Other names: short protein forms K243N.
Identifiers: ClinVar variation 1934733 (VCV001934733.5), dbSNP rs777904060, ClinGen allele CA363942380.